The following is an entry in ClinVar:

ClinVar aggregate classification (germline): Uncertain significance (1 of 4 stars; one submission).

Conditions:
Carnitine palmitoyl transferase 1A deficiency. Also called: Carnitine palmitoyltransferase 1A deficiency; Carnitine palmitoyltransferase type I deficiency; CPT deficiency, hepatic, type IA; CPT I DEFICIENCY; CPT DEFICIENCY, HEPATIC, TYPE I. Identifiers: Orphanet 156, MedGen C1829703, MONDO:0009705, OMIM 255120.

Allele frequency attached by ClinVar (database versions not stated): gnomAD exomes below 0.00001; ExAC 0.00001.
gnomAD v4.1: 1 of 1,611,494 alleles (0.000062%); highest among the groups gnomAD compares: South Asian, 0.0011%; no homozygotes.

Submission:

Labcorp Genetics (formerly Invitae), Labcorp
Classification: Uncertain significance for Carnitine palmitoyl transferase 1A deficiency. Last evaluated: 2022-03-05. Review status: criteria provided, single submitter. Criteria: Invitae Variant Classification Sherloc (09022015). Collection method: clinical testing. Allele origin: germline.
Comment: This sequence change replaces aspartic acid, which is acidic and polar, with asparagine, which is neutral and polar, at codon 717 of the CPT1A protein (p.Asp717Asn). This variant is present in population databases (rs762300383, gnomAD 0.003%). This variant has not been reported in the literature in individuals affected with CPT1A-related conditions. Algorithms developed to predict the effect of missense changes on protein structure and function are either unavailable or do not agree on the potential impact of this missense change (SIFT: "Deleterious"; PolyPhen-2: "Benign"; Align-GVGD: "Class C0"). In summary, the available evidence is currently insufficient to determine the role of this variant in disease. Therefore, it has been classified as a Variant of Uncertain Significance.

NM_001876.4(CPT1A):c.2149G>A (p.Asp717Asn)

Gene: CPT1A (carnitine palmitoyltransferase 1A; minus strand). Cytogenetic location: 11q13.3.
Variant type: single nucleotide variant.
Coding change: c.2149G>A on transcript NM_001876.4 (MANE Select); coding-DNA position 2149, G replaced by A.
Protein change: p.Asp717Asn; replaces aspartic acid 717 with asparagine.
Molecular consequence: missense variant.
Genome position (GRCh38, 1-based): chr11:68,759,655, C>T on the plus strand (G>A on the coding strand, the complement: CPT1A is on the minus strand). VCF-style: chr11-68759655-C-T. GRCh37 (hg19) VCF-style: chr11-68527123-C-T.
Other names: c.2149G>A, p.Asp717Asn (NM_001031847.3); short protein forms D717N.
Identifiers: ClinVar variation 1978287 (VCV001978287.4), dbSNP rs762300383, ClinGen allele CA6152059.